The following is an entry in ClinVar:

ClinVar aggregate classification (germline): Uncertain significance (1 of 4 stars; one submission).

Conditions:
Hypertrophic cardiomyopathy 26. Also called: Cardiomyopathy, familial hypertrophic, 26. Identifiers: Orphanet 75249, MedGen C4310749, MONDO:0014883, OMIM 617047.
Myofibrillar myopathy 5. Also called: Filaminopathy (type); FILAMINOPATHY, AUTOSOMAL DOMINANT. Identifiers: Orphanet 171445, MedGen C1836050, MONDO:0012289, OMIM 609524.
Distal myopathy with posterior leg and anterior hand involvement. Also called: WILLIAMS DISTAL MYOPATHY. Identifiers: Orphanet 63273, MedGen C3279722, MONDO:0013550, OMIM 614065.

Submission:

Labcorp Genetics (formerly Invitae), Labcorp
Classification: Uncertain significance for Distal myopathy with posterior leg and anterior hand involvement; Myofibrillar myopathy 5; Hypertrophic cardiomyopathy 26. Last evaluated: 2026-01-04. Review status: criteria provided, single submitter. Criteria: Invitae Variant Classification Sherloc (09022015). Collection method: clinical testing. Allele origin: germline.
Comment: This sequence change falls in intron 46 of the FLNC gene. It does not directly change the encoded amino acid sequence of the FLNC protein. It affects a nucleotide within the consensus splice site. This variant is not present in population databases (gnomAD no frequency). This variant has been observed in individual(s) with clinical features of FLNC-related conditions (internal data). Variants that disrupt the consensus splice site are a relatively common cause of aberrant splicing (PMID: 17576681, 9536098). Algorithms developed to predict the effect of sequence changes on RNA splicing suggest that this variant may disrupt the consensus splice site. In summary, the available evidence is currently insufficient to determine the role of this variant in disease. Therefore, it has been classified as a Variant of Uncertain Significance.

Literature cited by the submitters: PubMed 17576681; PubMed 9536098.

NM_001458.5(FLNC):c.7780+4A>T

Genes: FLNC-AS1 (FLNC antisense RNA 1; minus strand), FLNC (filamin C; plus strand). Cytogenetic location: 7q32.1.
Variant type: single nucleotide variant.
Coding change: c.7780+4A>T on transcript NM_001458.5 (MANE Select); 4 bases into the intron after coding-DNA position 7780, A replaced by T.
Molecular consequence: intron variant.
Genome position (GRCh38, 1-based): chr7:128,857,340, A>T. VCF-style: chr7-128857340-A-T. GRCh37 (hg19) VCF-style: chr7-128497394-A-T.
Other names: c.7681+4A>T (NM_001127487.2).
Identifiers: ClinVar variation 4812747 (VCV004812747.1).
Genomic context (GRCh38, chr7:128,857,340, plus strand): 5'-TCAAGTACGGTGGCCCCCAGCACATCGTGGGCAGCCCCTTCAAGGCCAAGGTCACTGGTG[A>T]GTGCCAGTTTGGGGGAGGTCCACCCAGCCTGCAGCCCAGCCCAGCCTGGAGGGCTCCGGT-3'